The following is an entry in ClinVar:

ClinVar aggregate classification (germline): Uncertain significance (1 of 4 stars; one submission).

Conditions:
Dilated cardiomyopathy 1D. Identifiers: Orphanet 154, Orphanet 54260, MedGen C1832243, MONDO:0011095, OMIM 601494.
Cardiomyopathy, familial restrictive, 3. Identifiers: Orphanet 75249, MedGen C2676271, MONDO:0012900, OMIM 612422.
Hypertrophic cardiomyopathy 2. Also called: TNNT2-Related Familial Hypertrophic Cardiomyopathy. Identifiers: MedGen C1861864, MONDO:0007266, OMIM 115195.

Submission:

Labcorp Genetics (formerly Invitae), Labcorp
Classification: Uncertain significance for Cardiomyopathy, familial restrictive, 3; Hypertrophic cardiomyopathy 2; Dilated cardiomyopathy 1D. Last evaluated: 2022-09-24. Review status: criteria provided, single submitter. Criteria: Invitae Variant Classification Sherloc (09022015). Collection method: clinical testing. Allele origin: germline.
Comment: This sequence change replaces tryptophan, which is neutral and slightly polar, with arginine, which is basic and polar, at codon 237 of the TNNT2 protein (p.Trp237Arg). This variant is not present in population databases (gnomAD no frequency). This variant has not been reported in the literature in individuals affected with TNNT2-related conditions. Advanced modeling of protein sequence and biophysical properties (such as structural, functional, and spatial information, amino acid conservation, physicochemical variation, residue mobility, and thermodynamic stability) performed at Invitae indicates that this missense variant is expected to disrupt TNNT2 protein function. In summary, the available evidence is currently insufficient to determine the role of this variant in disease. Therefore, it has been classified as a Variant of Uncertain Significance.

NM_001276345.2(TNNT2):c.739T>C (p.Trp247Arg)

Gene: TNNT2 (troponin T2, cardiac type; minus strand). Cytogenetic location: 1q32.1.
Variant type: single nucleotide variant.
Coding change: c.739T>C on transcript NM_001276345.2 (MANE Select); coding-DNA position 739, T replaced by C.
Protein change: p.Trp247Arg; replaces tryptophan 247 with arginine.
Molecular consequence: missense variant.
Genome position (GRCh38, 1-based): chr1:201,361,350, A>G on the plus strand (T>C on the coding strand, the complement: TNNT2 is on the minus strand). VCF-style: chr1-201361350-A-G. GRCh37 (hg19) VCF-style: chr1-201330478-A-G.
Other names: c.730T>C, p.Trp244Arg (NM_000364.4, NM_001406723.1); c.709T>C, p.Trp237Arg (NM_001001430.3, NM_001276347.2, NM_001406724.1); c.700T>C, p.Trp234Arg (NM_001001431.3, NM_001406726.1, NM_001406727.1); c.691T>C, p.Trp231Arg (NM_001001432.3); c.610T>C, p.Trp204Arg (NM_001276346.2); c.706T>C, p.Trp236Arg (NM_001406725.1); c.694T>C, p.Trp232Arg (NM_001406728.1); short protein forms W232R, W234R, W236R, W237R, W204R, W231R, W244R, W247R.
Identifiers: ClinVar variation 2200979 (VCV002200979.4), dbSNP rs2526925666, ClinGen allele CA344202781.
Genomic context (GRCh38, chr1:201,361,350, plus strand): 5'-GCTGCTTGAACTTCTCCTGCAGGTCGAACTTCTCTGCCTCCAAGTTATAGATGCTCTGCC[A>G]CAGCTCCTTGGCCTTCTCCCTGCACGGGCAAGGGTGAGAATGGGGAGGTCCAGTAAGAAA-3'
Protein context (NP_001263274.1, residues 237-257): DQLREKAKEL[Trp247Arg]QSIYNLEAEK